The following is an entry in ClinVar:

ClinVar aggregate classification (germline): Uncertain significance (1 of 4 stars; one submission).

Allele frequency attached by ClinVar (database versions not stated): gnomAD 0.00004 and 0.00006; ESP Exome Variant Server 0.00008; 1000 Genomes Project 30x 0.00016; gnomAD exomes 0.00018; ExAC 0.00017.
gnomAD v4.1: 87 of 1,613,968 alleles (0.0054%); highest among the groups gnomAD compares: Admixed American, 0.078%; no homozygotes.

Submission:

Labcorp Genetics (formerly Invitae), Labcorp
Classification: Uncertain significance. Last evaluated: 2025-12-18. Review status: criteria provided, single submitter. Criteria: Invitae Variant Classification Sherloc (09022015). Collection method: clinical testing. Allele origin: germline.
Comment: This sequence change replaces threonine, which is neutral and polar, with methionine, which is neutral and non-polar, at codon 419 of the DSG1 protein (p.Thr419Met). The frequency data for this variant in the population databases is considered unreliable, as metrics indicate poor data quality at this position in the gnomAD database. This variant has not been reported in the literature in individuals affected with DSG1-related conditions. ClinVar contains an entry for this variant (Variation ID: 1350825). Invitae Evidence Modeling of protein sequence and biophysical properties (such as structural, functional, and spatial information, amino acid conservation, physicochemical variation, residue mobility, and thermodynamic stability) indicates that this missense variant is not expected to disrupt DSG1 protein function with a negative predictive value of 80%. In summary, the available evidence is currently insufficient to determine the role of this variant in disease. Therefore, it has been classified as a Variant of Uncertain Significance.

NM_001942.4(DSG1):c.1256C>T (p.Thr419Met)

Gene: DSG1 (desmoglein 1; plus strand). Cytogenetic location: 18q12.1.
Variant type: single nucleotide variant.
Coding change: c.1256C>T on transcript NM_001942.4 (MANE Select); coding-DNA position 1256, C replaced by T.
Protein change: p.Thr419Met; replaces threonine 419 with methionine.
Molecular consequence: missense variant.
Genome position (GRCh38, 1-based): chr18:31,336,604, C>T. VCF-style: chr18-31336604-C-T. GRCh37 (hg19) VCF-style: chr18-28916567-C-T.
Other names: short protein forms T419M.
Identifiers: ClinVar variation 1350825 (VCV001350825.6), dbSNP rs139705270, ClinGen allele CA8926042.